The following is an entry in ClinVar:

ClinVar aggregate classification (germline): Conflicting classifications of pathogenicity. Review status: criteria provided, conflicting classifications (1 of 4 stars). 3 submissions from 3 submitters: Uncertain significance (2); Likely benign (1). Last evaluated 2025-11-13.

Conditions:
Hereditary breast ovarian cancer syndrome. Also called: Hereditary breast and ovarian cancer; BRCA1- and BRCA2-Associated Hereditary Breast and Ovarian Cancer; Hereditary breast and ovarian cancer syndrome (HBOC); Hereditary breast and ovarian cancer syndrome; Breast and ovarian cancer; Hereditary breast and/or ovarian cancer syndrome. Identifiers: Orphanet 145, MedGen C0677776, MeSH D061325, MONDO:0003582. Disease mechanism: loss of function.
Hereditary cancer-predisposing syndrome. Also called: Hereditary Cancer Syndrome; Hereditary neoplastic syndrome; Neoplastic Syndromes, Hereditary; Tumor predisposition. Identifiers: Orphanet 140162, MedGen C0027672, MeSH D009386, MONDO:0015356.

Submissions (3):

Labcorp Genetics (formerly Invitae), Labcorp
Classification: Uncertain significance for Hereditary breast ovarian cancer syndrome. Last evaluated: 2025-11-13. Review status: criteria provided, single submitter. Criteria: Invitae Variant Classification Sherloc (09022015). Collection method: clinical testing. Allele origin: germline.
Comment: This sequence change replaces leucine, which is neutral and non-polar, with methionine, which is neutral and non-polar, at codon 1952 of the BRCA2 protein (p.Leu1952Met). This variant is not present in population databases (gnomAD no frequency). This variant has not been reported in the literature in individuals affected with BRCA2-related conditions. ClinVar contains an entry for this variant (Variation ID: 1750091). Invitae Evidence Modeling of protein sequence and biophysical properties (such as structural, functional, and spatial information, amino acid conservation, physicochemical variation, residue mobility, and thermodynamic stability) indicates that this missense variant is not expected to disrupt BRCA2 protein function with a negative predictive value of 95%. In summary, the available evidence is currently insufficient to determine the role of this variant in disease. Therefore, it has been classified as a Variant of Uncertain Significance.

University of Washington Department of Laboratory Medicine, University of Washington
Classification: Likely benign for Hereditary cancer-predisposing syndrome. Last evaluated: 2023-03-23. Review status: criteria provided, single submitter. Criteria: Dines et al. (Genet Med. 2020). Collection method: curation. Allele origin: germline.
Comment: Missense variant in a coldspot region where missense variants are very unlikely to be pathogenic (PMID:31911673).

BRCA2 exon 11 coldspot. Reclassification based on statistical prior probability.

Ambry Genetics
Classification: Uncertain significance for Hereditary cancer-predisposing syndrome. Last evaluated: 2020-02-10. Review status: criteria provided, single submitter. Criteria: Ambry Variant Classification Scheme 2023. Collection method: clinical testing. Allele origin: germline.
Comment: The p.L1952M variant (also known as c.5854T>A), located in coding exon 10 of the BRCA2 gene, results from a T to A substitution at nucleotide position 5854. The leucine at codon 1952 is replaced by methionine, an amino acid with highly similar properties. This amino acid position is not well conserved in available vertebrate species. In addition, this alteration is predicted to be tolerated by in silico analysis. Since supporting evidence is limited at this time, the clinical significance of this alteration remains unclear.

NM_000059.4(BRCA2):c.5854T>A (p.Leu1952Met)

Gene: BRCA2 (BRCA2 DNA repair associated; plus strand). Cytogenetic location: 13q13.1.
Variant type: single nucleotide variant.
Coding change: c.5854T>A on transcript NM_000059.4 (MANE Select); coding-DNA position 5854, T replaced by A.
Protein change: p.Leu1952Met; replaces leucine 1952 with methionine.
Molecular consequence: missense variant.
Genome position (GRCh38, 1-based): chr13:32,340,209, T>A. VCF-style: chr13-32340209-T-A. GRCh37 (hg19) VCF-style: chr13-32914346-T-A.
Other names: c.5854T>A, p.Leu1952Met (NM_001406719.1, NM_001406720.1); short protein forms L1952M.
Identifiers: ClinVar variation 1750091 (VCV001750091.7), dbSNP rs2137521676, ClinGen allele CA387787405.
Genomic context (GRCh38, chr13:32,340,209, plus strand): 5'-CATAACCAAAATATGTCTGGATTGGAGAAAGTTTCTAAAATATCACCTTGTGATGTTAGT[T>A]TGGAAACTTCAGATATATGTAAATGTAGTATAGGGAAGCTTCATAAGTCAGTCTCATCTG-3'
Protein context (NP_000050.3, residues 1942-1962): VSKISPCDVS[Leu1952Met]ETSDICKCSI